The following is an entry in ClinVar:

ClinVar aggregate classification (germline): Benign. Review status: criteria provided, multiple submitters, no conflicts (2 of 4 stars). 4 submissions from 3 submitters: Benign (4). Last evaluated 2018-07-27.

Conditions:
Type 2 collagenopathy. Identifiers: Orphanet 93421, MedGen C2931073, MONDO:0022800.
Stickler syndrome type 1 (STL1). Also called: ARTHROOPHTHALMOPATHY, HEREDITARY PROGRESSIVE; STICKLER SYNDROME, MEMBRANOUS VITREOUS TYPE; STICKLER SYNDROME, VITREOUS TYPE 1; COL2A1-Related Stickler Syndrome. Identifiers: Orphanet 828, Orphanet 90653, MedGen C2020284, MONDO:0007160, OMIM 108300.

Allele frequency attached by ClinVar (database versions not stated): gnomAD exomes 0.00229; 1000 Genomes Project 0.01837; gnomAD 0.01851 and 0.02009; 1000 Genomes Project 30x 0.01999; TOPMed 0.02121.
gnomAD v4.1: 3,871 of 606,920 alleles (0.64%); highest among the groups gnomAD compares: African/African-American, 6.5%; 95 homozygotes.

Submissions (4):

GeneDx
Classification: Benign. Last evaluated: 2018-07-27. Review status: criteria provided, single submitter. Criteria: GeneDx Variant Classification Process June 2021. Collection method: clinical testing. Allele origin: germline. Affected: yes.

Illumina Laboratory Services, Illumina
Classification: Benign for Stickler syndrome type 1. Last evaluated: 2018-01-12. Review status: criteria provided, single submitter. Criteria: ICSL Variant Classification Criteria 13 December 2019. Collection method: clinical testing. Allele origin: germline.
Comment: This variant was observed in the ICSL laboratory as part of a predisposition screen in an ostensibly healthy population. It had not been previously curated by ICSL or reported in the Human Gene Mutation Database (HGMD: prior to June 1st, 2018), and was therefore a candidate for classification through an automated scoring system. Utilizing variant allele frequency, disease prevalence and penetrance estimates, and inheritance mode, an automated score was calculated to assess if this variant is too frequent to cause the disease. Based on the score and internal cut-off values, a variant classified as benign is not then subjected to further curation. The score for this variant resulted in a classification of benign for this disease.

Illumina Laboratory Services, Illumina
Classification: Benign for Type II Collagenopathies. Last evaluated: 2018-01-12. Review status: criteria provided, single submitter. Criteria: ICSL Variant Classification Criteria 13 December 2019. Collection method: clinical testing. Allele origin: germline.
Comment: the same text as in the submission from Illumina Laboratory Services, Illumina above.

Breakthrough Genomics
Classification: Benign. Review status: criteria provided, single submitter. Criteria: ACMG Guidelines, 2015. Collection method: not provided. Allele origin: germline. Inheritance: Autosomal recessive inheritance. Affected: yes.

NM_001844.5(COL2A1):c.*295C>T

Gene: COL2A1 (collagen type II alpha 1 chain; minus strand). Cytogenetic location: 12q13.11.
Variant type: single nucleotide variant.
Coding change: c.*295C>T on transcript NM_001844.5 (MANE Select); 295 bases downstream of the stop codon, C replaced by T.
Molecular consequence: 3 prime UTR variant.
Genome position (GRCh38, 1-based): chr12:47,973,112, G>A on the plus strand (C>T on the coding strand, the complement: COL2A1 is on the minus strand). VCF-style: chr12-47973112-G-A. GRCh37 (hg19) VCF-style: chr12-48366895-G-A.
Other names: c.*295C>T (NM_033150.3).
Identifiers: ClinVar variation 308896 (VCV000308896.8), dbSNP rs41272781, ClinGen allele CA10637532.